The following is an entry in ClinVar:

ClinVar aggregate classification (germline): Uncertain significance (1 of 4 stars; one submission).

Conditions:
Inborn genetic diseases. Identifiers: MedGen C0950123, MeSH D030342.

Submission:

Ambry Genetics
Classification: Uncertain significance for Inborn genetic diseases. Last evaluated: 2025-05-05. Review status: criteria provided, single submitter. Criteria: Ambry Variant Classification Scheme 2023. Collection method: clinical testing. Allele origin: germline.
Comment: The p.M153I variant (also known as c.459G>C), located in coding exon 4 of the CEP57 gene, results from a G to C substitution at nucleotide position 459. The methionine at codon 153 is replaced by isoleucine, an amino acid with highly similar properties. This amino acid position is conserved. In addition, this alteration is predicted to be tolerated by in silico analysis. Based on the available evidence, the clinical significance of this variant remains unclear.

NM_014679.5(CEP57):c.459G>C (p.Met153Ile)

Gene: CEP57 (centrosomal protein 57; plus strand). Cytogenetic location: 11q21.
Variant type: single nucleotide variant.
Coding change: c.459G>C on transcript NM_014679.5 (MANE Select); coding-DNA position 459, G replaced by C.
Protein change: p.Met153Ile; replaces methionine 153 with isoleucine.
Molecular consequence: missense variant.
Genome position (GRCh38, 1-based): chr11:95,813,544, G>C. VCF-style: chr11-95813544-G-C. GRCh37 (hg19) VCF-style: chr11-95546708-G-C.
Other names: c.432G>C, p.Met144Ile (NM_001243776.2); c.459G>C, p.Met153Ile (NM_001243777.2); c.378G>C, p.Met126Ile (NM_001363604.2); short protein forms M126I, M144I, M153I.
Identifiers: ClinVar variation 4001033 (VCV004001033.1).